The following is an entry in ClinVar:

ClinVar aggregate classification (germline): Uncertain significance (1 of 4 stars; one submission).

gnomAD v4.1: 3 of 1,613,540 alleles (0.00019%); highest among the groups gnomAD compares: Middle Eastern, 0.016%; no homozygotes.

Submission:

Labcorp Genetics (formerly Invitae), Labcorp
Classification: Uncertain significance. Last evaluated: 2025-10-27. Review status: criteria provided, single submitter. Criteria: Invitae Variant Classification Sherloc (09022015). Collection method: clinical testing. Allele origin: germline.
Comment: This sequence change replaces isoleucine, which is neutral and non-polar, with threonine, which is neutral and polar, at codon 721 of the TCIRG1 protein (p.Ile721Thr). This variant is present in population databases (rs150260808, gnomAD 0.007%). This variant has not been reported in the literature in individuals affected with TCIRG1-related conditions. Invitae Evidence Modeling of protein sequence and biophysical properties (such as structural, functional, and spatial information, amino acid conservation, physicochemical variation, residue mobility, and thermodynamic stability) has been performed for this missense variant. However, the output from this modeling did not meet the statistical confidence thresholds required to predict the impact of this variant on TCIRG1 protein function. In summary, the available evidence is currently insufficient to determine the role of this variant in disease. Therefore, it has been classified as a Variant of Uncertain Significance.

NM_006019.4(TCIRG1):c.2162T>C (p.Ile721Thr)

Gene: TCIRG1 (T cell immune regulator 1, ATPase H+ transporting V0 subunit a3; plus strand). Cytogenetic location: 11q13.2.
Variant type: single nucleotide variant.
Coding change: c.2162T>C on transcript NM_006019.4 (MANE Select); coding-DNA position 2162, T replaced by C.
Protein change: p.Ile721Thr; replaces isoleucine 721 with threonine.
Molecular consequence: missense variant.
Genome position (GRCh38, 1-based): chr11:68,050,180, T>C. VCF-style: chr11-68050180-T-C. GRCh37 (hg19) VCF-style: chr11-67817647-T-C.
Other names: c.1268T>C, p.Ile423Thr (NM_001351059.2); c.2162T>C, p.Ile721Thr (NM_001440552.1, NM_001440553.1, NM_001440554.1 and 2 more transcripts); c.2120T>C, p.Ile707Thr (NM_001440555.1, NM_001440556.1, NM_001440563.1); c.1949T>C, p.Ile650Thr (NM_001440559.1, NM_001440560.1, NM_001440561.1 and 2 more transcripts); c.1907T>C, p.Ile636Thr (NM_001440564.1); c.1862T>C, p.Ile621Thr (NM_001440565.1); c.1700T>C, p.Ile567Thr (NM_001440567.1); c.1694T>C, p.Ile565Thr (NM_001440568.1); and 2 more; short protein forms I707T, I423T, I567T, I721T, I401T, I565T, I621T, I636T.
Identifiers: ClinVar variation 4749123 (VCV004749123.1).